The following is an entry in ClinVar:

ClinVar aggregate classification (germline): Pathogenic (1 of 4 stars; one submission).

Submission:

ARUP Laboratories, Molecular Genetics and Genomics, ARUP Laboratories
Classification: Pathogenic. Last evaluated: 2024-09-26. Review status: criteria provided, single submitter. Criteria: ARUP Molecular Germline Variant Investigation Process 2024. Collection method: clinical testing. Allele origin: germline.
Comment: The NF1 c.2272del; p.Arg758GlufsTer2 variant is reported in the literature in multiple individuals affected with neurofibromatosis including one de novo occurrence (Hazan 2021, Yang 2018). This variant is also absent from the Genome Aggregation Database (v2.1.1), indicating it is not a common polymorphism. This variant causes a frameshift by deleting a single nucleotide, so it is predicted to result in a truncated protein or mRNA subject to nonsense-mediated decay. Based on available information, this variant is considered to be pathogenic. References: Hazan F et al. Evaluation of clinical findings and neurofibromatosis type 1 bright objects on brain magnetic resonance images of 60 Turkish patients with NF1 gene variants. Neurol Sci. 2021 May;42(5):2045-2057. PMID: 33443663. Yang JK et al. Homozygous frame-shift mutation in a Chinese family with neurofibromatosis type 1. J Dermatol. 2018 May;45(5):e134-e135. PMID: 29193275.

NM_001042492.3(NF1):c.2272del (p.Arg758fs)

Gene: NF1 (neurofibromin 1; plus strand). Cytogenetic location: 17q11.2.
Variant type: Deletion.
Coding change: c.2272del on transcript NM_001042492.3 (MANE Select); coding-DNA position 2272, one base deleted (A; older notation c.2272delA).
Protein change: p.Arg758fs; shifts the reading frame from arginine 758.
Molecular consequence: frameshift variant.
Genome position (GRCh38, 1-based): chr17:31,227,238, A deleted; the last of 4 consecutive A bases (chr17:31,227,235-31,227,238); deleting any one gives the same sequence. VCF-style (leftmost placement, unchanged base first): chr17-31227234-GA-G. GRCh37 (hg19) VCF-style: chr17-29554252-GA-G.
Other names: c.2272delA, p.Arg758Glufs (NM_000267.4); short protein forms R758fs.
Identifiers: ClinVar variation 3767072 (VCV003767072.1).
Genomic context (GRCh38, chr17:31,227,234, plus strand): 5'-GGGCTCTAAGTGCAGTAACTTGATTTGCTGTTGTATTTGCTTAGGAAGAGCAGCACTTCA[GA>G]AAAGAGTGATGGCACTGCTGAGGCGCATTGAGCATCCCACTGCAGGAAACACTGAGGTAT-3'